The following is an entry in ClinVar:

NM_021830.5(TWNK):c.986G>A (p.Arg329Gln)

Gene: TWNK (twinkle mtDNA helicase; plus strand). Cytogenetic location: 10q24.31.
Variant type: single nucleotide variant.
Coding change: c.986G>A on transcript NM_021830.5 (MANE Select); coding-DNA position 986, G replaced by A.
Protein change: p.Arg329Gln; replaces arginine 329 with glutamine.
Molecular consequence: missense variant. On other transcripts: non-coding transcript variant (4), intron variant (3).
Genome position (GRCh38, 1-based): chr10:100,989,196, G>A. VCF-style: chr10-100989196-G-A. GRCh37 (hg19) VCF-style: chr10-102748953-G-A.
Other names: c.986G>A, p.Arg329Gln (NM_001163812.2); c.-119-448G>A (NM_001163814.2, NM_001163813.2); c.-57-510G>A (NM_001368275.1); short protein forms R329Q.
Identifiers: ClinVar variation 2640763 (VCV002640763.25), dbSNP rs1851689940, ClinGen allele CA378208980.

ClinVar aggregate classification (germline): Uncertain significance. Review status: criteria provided, multiple submitters, no conflicts (2 of 4 stars). 2 submissions from 2 submitters: Uncertain significance (2). Last evaluated 2025-02-08.

Allele frequency attached by ClinVar (database versions not stated): gnomAD exomes below 0.00001; TOPMed 0.00001.
gnomAD v4.1: 4 of 1,613,918 alleles (0.00025%); highest among the groups gnomAD compares: Non-Finnish European, 0.00034%; no homozygotes.

Submissions (2):

Labcorp Genetics (formerly Invitae), Labcorp
Classification: Uncertain significance. Last evaluated: 2025-02-08. Review status: criteria provided, single submitter. Criteria: Invitae Variant Classification Sherloc (09022015). Collection method: clinical testing. Allele origin: germline.
Comment: This sequence change replaces arginine, which is basic and polar, with glutamine, which is neutral and polar, at codon 329 of the TWNK protein (p.Arg329Gln). This variant is not present in population databases (gnomAD no frequency). This variant has not been reported in the literature in individuals affected with TWNK-related conditions. ClinVar contains an entry for this variant (Variation ID: 2640763). Invitae Evidence Modeling of protein sequence and biophysical properties (such as structural, functional, and spatial information, amino acid conservation, physicochemical variation, residue mobility, and thermodynamic stability) indicates that this missense variant is expected to disrupt TWNK protein function with a positive predictive value of 95%. In summary, the available evidence is currently insufficient to determine the role of this variant in disease. Therefore, it has been classified as a Variant of Uncertain Significance.

CeGaT Center for Human Genetics Tuebingen
Classification: Uncertain significance. Last evaluated: 2023-03-01. Review status: criteria provided, single submitter. Criteria: CeGaT Center For Human Genetics Tuebingen Variant Classification Criteria Version 2. Collection method: clinical testing. Allele origin: germline. Affected: yes. Observed: 1 variant allele.
Comment: TWNK: PM2, PP3